The following is an entry in ClinVar:

ClinVar aggregate classification (germline): Uncertain significance (1 of 4 stars; one submission).

gnomAD v4.1: 6 of 1,613,892 alleles (0.00037%); highest among the groups gnomAD compares: African/African-American, 0.0067%; no homozygotes.

Submission:

Women's Health and Genetics/Laboratory Corporation of America, LabCorp
Classification: Uncertain significance. Last evaluated: 2026-04-10. Review status: criteria provided, single submitter. Criteria: LabCorp Variant Classification Summary - May 2015. Collection method: clinical testing. Allele origin: germline.
Comment: Variant summary: THBD c.1093C>T (p.Pro365Ser) results in a non-conservative amino acid change in the encoded protein sequence. Algorithms developed to predict the effect of missense changes on protein structure and function are either unavailable or do not agree on the potential impact of this missense change. The variant allele was found at a frequency of 8e-06 in 251172 control chromosomes. The available data on variant occurrences in the general population are insufficient to allow any conclusion about variant significance. To our knowledge, no occurrence of c.1093C>T in individuals affected with THBD-related conditions and no experimental evidence demonstrating its impact on protein function have been reported. No submitters have cited clinical-significance assessments for this variant to ClinVar. Based on the evidence outlined above, the variant was classified as uncertain significance.

NM_000361.3(THBD):c.1093C>T (p.Pro365Ser)

Gene: THBD (thrombomodulin; minus strand). Cytogenetic location: 20p11.21.
Variant type: single nucleotide variant.
Coding change: c.1093C>T on transcript NM_000361.3 (MANE Select); coding-DNA position 1093, C replaced by T.
Protein change: p.Pro365Ser; replaces proline 365 with serine.
Molecular consequence: missense variant.
Genome position (GRCh38, 1-based): chr20:23,048,412, G>A on the plus strand (C>T on the coding strand, the complement: THBD is on the minus strand). VCF-style: chr20-23048412-G-A. GRCh37 (hg19) VCF-style: chr20-23029049-G-A.
Other names: short protein forms P365S.
Identifiers: ClinVar variation 4848689 (VCV004848689.1).
Genomic context (GRCh38, chr20:23,048,412, plus strand): 5'-TAGTTTGGTTCAGGGGCTGGCACTGGTACTCGCAGTTGGCTCTGAAGCACGGGTCCACGG[G>A]CTCCACACACTCGCCGTCCACCAGGTCGTAGTTAGGGTAGCAGTGGCACTCGAAGCCACC-3'
Protein context (NP_000352.1, residues 355-375): YDLVDGECVE[Pro365Ser]VDPCFRANCE